The following is an entry in ClinVar:

ClinVar aggregate classification (germline): Uncertain significance. Review status: criteria provided, multiple submitters, no conflicts (2 of 4 stars). 2 submissions from 2 submitters: Uncertain significance (2). Last evaluated 2025-12-15.

gnomAD v4.1: 26 of 1,614,044 alleles (0.0016%); highest among the groups gnomAD compares: Admixed American, 0.0083%; no homozygotes.

Submissions (2):

Labcorp Genetics (formerly Invitae), Labcorp
Classification: Uncertain significance. Last evaluated: 2025-12-15. Review status: criteria provided, single submitter. Criteria: Invitae Variant Classification Sherloc (09022015). Collection method: clinical testing. Allele origin: germline.
Comment: This sequence change replaces arginine, which is basic and polar, with histidine, which is basic and polar, at codon 479 of the ABL1 protein (p.Arg479His). This variant is present in population databases (rs149852028, gnomAD 0.004%). This variant has not been reported in the literature in individuals affected with ABL1-related conditions. Invitae Evidence Modeling of protein sequence and biophysical properties (such as structural, functional, and spatial information, amino acid conservation, physicochemical variation, residue mobility, and thermodynamic stability) indicates that this missense variant is not expected to disrupt ABL1 protein function with a negative predictive value of 80%. In summary, the available evidence is currently insufficient to determine the role of this variant in disease. Therefore, it has been classified as a Variant of Uncertain Significance.

Women's Health and Genetics/Laboratory Corporation of America, LabCorp
Classification: Uncertain significance. Last evaluated: 2025-11-12. Review status: criteria provided, single submitter. Criteria: LabCorp Variant Classification Summary - May 2015. Collection method: clinical testing. Allele origin: germline.
Comment: Variant summary: ABL1 c.1379G>A (p.Arg460His) results in a non-conservative amino acid change in the encoded protein sequence. Algorithms developed to predict the effect of missense changes on protein structure and function are either unavailable or do not agree on the potential impact of this missense change. The variant allele was found at a frequency of 1.6e-05 in 251482 control chromosomes. The available data on variant occurrences in the general population are insufficient to allow any conclusion about variant significance. To our knowledge, no occurrence of c.1379G>A in individuals affected with ABL1-related conditions and no experimental evidence demonstrating its impact on protein function have been reported. No submitters have cited clinical-significance assessments for this variant to ClinVar. Based on the evidence outlined above, the variant was classified as uncertain significance.

NM_005157.6(ABL1):c.1379G>A (p.Arg460His)

Gene: ABL1 (ABL proto-oncogene 1, non-receptor tyrosine kinase; plus strand). Cytogenetic location: 9q34.12.
Variant type: single nucleotide variant.
Coding change: c.1379G>A on transcript NM_005157.6 (MANE Select); coding-DNA position 1379, G replaced by A.
Protein change: p.Arg460His; replaces arginine 460 with histidine.
Molecular consequence: missense variant.
Genome position (GRCh38, 1-based): chr9:130,878,523, G>A. VCF-style: chr9-130878523-G-A. GRCh37 (hg19) VCF-style: chr9-133753910-G-A.
Other names: c.1436G>A, p.Arg479His (NM_007313.3); short protein forms R460H, R479H.
Identifiers: ClinVar variation 4536775 (VCV004536775.2).